The following is an entry in ClinVar:

ClinVar aggregate classification (germline): Uncertain significance (1 of 4 stars; one submission).

Conditions:
Gingival disorder. Also called: Gingival disease. Identifiers: MedGen C0017563, MONDO:0002021.

gnomAD v4.1: 14 of 1,613,980 alleles (0.00087%); highest among the groups gnomAD compares: African/African-American, 0.008%; no homozygotes.

Submission:

Labcorp Genetics (formerly Invitae), Labcorp
Classification: Uncertain significance for Gingival disorder. Last evaluated: 2025-12-02. Review status: criteria provided, single submitter. Criteria: Invitae Variant Classification Sherloc (09022015). Collection method: clinical testing. Allele origin: germline.
Comment: This sequence change replaces arginine, which is basic and polar, with glutamine, which is neutral and polar, at codon 205 of the FPR1 protein (p.Arg205Gln). This variant is present in population databases (rs751375183, gnomAD 0.01%). This variant has not been reported in the literature in individuals affected with FPR1-related conditions. An algorithm developed to predict the effect of missense changes on protein structure and function (PolyPhen-2) suggests that this variant is likely to be disruptive. In summary, the available evidence is currently insufficient to determine the role of this variant in disease. Therefore, it has been classified as a Variant of Uncertain Significance.

NM_002029.4(FPR1):c.614G>A (p.Arg205Gln)

Gene: FPR1 (formyl peptide receptor 1; minus strand). Cytogenetic location: 19q13.41.
Variant type: single nucleotide variant.
Coding change: c.614G>A on transcript NM_002029.4 (MANE Select); coding-DNA position 614, G replaced by A.
Protein change: p.Arg205Gln; replaces arginine 205 with glutamine.
Molecular consequence: missense variant.
Genome position (GRCh38, 1-based): chr19:51,746,381, C>T on the plus strand (G>A on the coding strand, the complement: FPR1 is on the minus strand). VCF-style: chr19-51746381-C-T. GRCh37 (hg19) VCF-style: chr19-52249634-C-T.
Other names: c.614G>A, p.Arg205Gln (NM_001193306.2); short protein forms R205Q.
Identifiers: ClinVar variation 4749845 (VCV004749845.1).
Genomic context (GRCh38, chr19:51,746,381, plus strand): 5'-GCAATAAGCCCATAACTGACAGCAACGATGGACATGGGTGCGCTGAAGCCAATGATGAAC[C>T]GGATGATGCCTCTCACCGTCAACATGGCAACGGCCACATTTATCCTCTCTTTAGGGTCGT-3'
Protein context (NP_002020.1, residues 195-215): VAMLTVRGII[Arg205Gln]FIIGFSAPMS